The following is an entry in ClinVar:

ClinVar aggregate classification (germline): Conflicting classifications of pathogenicity. Review status: criteria provided, conflicting classifications (1 of 4 stars). 3 submissions from 3 submitters: Likely pathogenic (2); Uncertain significance (1). Last evaluated 2026-11-05.

Conditions:
TRPM7-related hypomagnesemia.

Submissions (3):

Molecular Genetics Laboratory, Motol Hospital
Classification: Likely pathogenic for TRPM7-related hypomagnesemia. Last evaluated: 2026-11-05. Review status: criteria provided, single submitter. Criteria: ACMG Guidelines, 2015. Collection method: clinical testing. Allele origin: de novo. Inheritance: Sporadic. Affected: yes. Observed: 1 variant allele, 1 heterozygote.
Comment: A rare variant not present in a control non-Finnish European population (gnomAD v4.1.2) (PM2). Protein length changes resulting from in-frame deletions/insertions in a non-repeat region or a stop-loss variant (PM4). A rare variant reported in Clinvar (Variation ID: 4599678 ) in two cases (a de novo variant in one affected individual with partial phenotypic overlap). Rare non-truncating variants in the TRPM7 gene are associated with autosomal domiannt hypomagnesemia with developmental delay (PMID: 39099563, PMID: 35561741). The variant is classified as likely pathogenic (ACMG class 4).

GeneDx
Classification: Likely pathogenic. Last evaluated: 2026-05-15. Review status: criteria provided, single submitter. Criteria: GeneDx Variant Classification Process June 2021. Collection method: clinical testing. Allele origin: germline.
Comment: Not observed at significant frequency in large population cohorts (gnomAD); In-frame deletion of 1 amino acid(s) in a non-repeat region; In silico analysis supports a deleterious effect on protein structure/function; Has not been previously published as pathogenic or benign to our knowledge

Ambry Genetics
Classification: Uncertain significance. Last evaluated: 2025-12-08. Review status: criteria provided, single submitter. Criteria: Ambry Variant Classification Scheme 2023. Collection method: clinical testing. Allele origin: germline.
Comment: The c.3274_3276delCTT (p.L1092del) alteration is located in exon 23 (coding exon 23) of the TRPM7 gene. This alteration consists of an in-frame deletion of 3 nucleotides between nucleotide positions c.3274 and c.3276, resulting in the deletion of 1 residue. This variant was not reported in population-based cohorts in the Genome Aggregation Database (gnomAD). Based on internal structural analysis, this variant is anticipated to be deleterious (Ambry internal data). Based on insufficient or conflicting evidence, the clinical significance of this alteration remains unclear.

Literature cited by the submitters: PubMed 39099563 (cited by Molecular Genetics Laboratory, Motol Hospital); PubMed 35561741 (cited by Molecular Genetics Laboratory, Motol Hospital).

NM_017672.6(TRPM7):c.3271CTT[1] (p.Leu1092del)

Gene: TRPM7 (transient receptor potential cation channel subfamily M member 7; minus strand). Cytogenetic location: 15q21.2.
Variant type: Microsatellite.
Coding change: c.3271CTT[1] on transcript NM_017672.6 (MANE Select); one copy of the 3-base unit CTT starting at c.3271; the reference has two copies in a row; one copy, 3 bases deleted; also written c.3274_3276del.
Protein change: p.Leu1092del; deletes leucine 1092.
Molecular consequence: inframe deletion. On other transcripts: non-coding transcript variant (1).
Genome position (GRCh38, 1-based): chr15:50,596,269-50,596,271, AAG deleted on the plus strand (CTT on the coding strand, the reverse complement: TRPM7 is on the minus strand); deleting any 3 consecutive bases within chr15:50,596,269-50,596,275 gives the same sequence; the position shown is the placement nearest the transcript's 3' end. VCF-style (leftmost placement, unchanged base first): chr15-50596268-TAAG-T. GRCh37 (hg19) VCF-style: chr15-50888465-TAAG-T.
Other names: c.3274_3276del (NM_017672.6); c.3271CTT[1], p.Leu1092del (NM_001301212.2); short protein forms L1092del.
Identifiers: ClinVar variation 4599678 (VCV004599678.4).